The following is an entry in ClinVar:

ClinVar aggregate classification (germline): Uncertain significance (1 of 4 stars; one submission).

Conditions:
Tumor predisposition syndrome 3 (TPDS3). Also called: Melanoma, cutaneous malignant, susceptibility to, 10; LONG TELOMERE SYNDROME, POT1-RELATED; POT1 Tumor Predisposition; Glioma susceptibility 9. Identifiers: Orphanet 618, MedGen C4014476, MONDO:0014368, OMIM 615848.

Submission:

Labcorp Genetics (formerly Invitae), Labcorp
Classification: Uncertain significance for Tumor predisposition syndrome 3. Last evaluated: 2022-12-27. Review status: criteria provided, single submitter. Criteria: Invitae Variant Classification Sherloc (09022015). Collection method: clinical testing. Allele origin: germline.
Comment: In summary, the available evidence is currently insufficient to determine the role of this variant in disease. Therefore, it has been classified as a Variant of Uncertain Significance. Advanced modeling of protein sequence and biophysical properties (such as structural, functional, and spatial information, amino acid conservation, physicochemical variation, residue mobility, and thermodynamic stability) performed at Invitae indicates that this missense variant is not expected to disrupt POT1 protein function. This variant has not been reported in the literature in individuals affected with POT1-related conditions. This variant is not present in population databases (gnomAD no frequency). This sequence change replaces threonine, which is neutral and polar, with isoleucine, which is neutral and non-polar, at codon 118 of the POT1 protein (p.Thr118Ile).

NM_015450.3(POT1):c.353C>T (p.Thr118Ile)

Gene: POT1 (protection of telomeres 1; minus strand). Cytogenetic location: 7q31.33.
Variant type: single nucleotide variant.
Coding change: c.353C>T on transcript NM_015450.3 (MANE Select); coding-DNA position 353, C replaced by T.
Protein change: p.Thr118Ile; replaces threonine 118 with isoleucine.
Molecular consequence: missense variant. On other transcripts: 5 prime UTR variant (1), non-coding transcript variant (3).
Genome position (GRCh38, 1-based): chr7:124,863,543, G>A on the plus strand (C>T on the coding strand, the complement: POT1 is on the minus strand). VCF-style: chr7-124863543-G-A. GRCh37 (hg19) VCF-style: chr7-124503597-G-A.
Other names: c.-41C>T (NM_001042594.2); short protein forms T118I.
Identifiers: ClinVar variation 2823372 (VCV002823372.3), dbSNP rs2485480877, ClinGen allele CA369059938.